The following is an entry in ClinVar:

ClinVar aggregate classification (germline): Likely pathogenic (1 of 4 stars; one submission).

Conditions:
Dilated cardiomyopathy 1G (CMD1G). Identifiers: Orphanet 154, MedGen C1858763, MONDO:0011400, OMIM 604145.
Autosomal recessive limb-girdle muscular dystrophy type 2J (LGMDR10). Also called: Limb-girdle muscular dystrophy, type 2J; MUSCULAR DYSTROPHY, LIMB-GIRDLE, AUTOSOMAL RECESSIVE 10. Identifiers: Orphanet 140922, MedGen C1837342, MONDO:0012127, OMIM 608807.

Submission:

Labcorp Genetics (formerly Invitae), Labcorp
Classification: Likely pathogenic for Dilated cardiomyopathy 1G; Autosomal recessive limb-girdle muscular dystrophy type 2J. Last evaluated: 2024-09-14. Review status: criteria provided, single submitter. Criteria: Invitae Variant Classification Sherloc (09022015). Collection method: clinical testing. Allele origin: germline.
Comment: This sequence change creates a premature translational stop signal (p.Glu20342*) in the TTN gene. While this is not anticipated to result in nonsense mediated decay, it is expected to create a truncated TTN protein. This variant is not present in population databases (gnomAD no frequency). This variant has not been reported in the literature in individuals affected with TTN-related conditions. This variant is located in the A band of TTN (PMID: 25589632). Truncating variants in this region are significantly overrepresented in patients affected with dilated cardiomyopathy (PMID: 25589632). Truncating variants in this region have also been reported in individuals affected with autosomal recessive centronuclear myopathy (PMID: 23975875). In summary, the currently available evidence indicates that the variant is pathogenic, but additional data are needed to prove that conclusively. Therefore, this variant has been classified as Likely Pathogenic.

Literature cited by the submitters: PubMed 25589632; PubMed 23975875.

NM_001267550.2(TTN):c.61024G>T (p.Glu20342Ter)

Genes: TTN (titin; minus strand), TTN-AS1 (TTN antisense RNA 1; plus strand). Cytogenetic location: 2q31.2.
Variant type: single nucleotide variant.
Coding change: c.61024G>T on transcript NM_001267550.2 (MANE Select); coding-DNA position 61024, G replaced by T.
Protein change: p.Glu20342Ter; replaces glutamic acid 20342 with a stop codon.
Molecular consequence: nonsense.
Genome position (GRCh38, 1-based): chr2:178,590,701, C>A on the plus strand (G>T on the coding strand, the complement: TTN is on the minus strand). VCF-style: chr2-178590701-C-A. GRCh37 (hg19) VCF-style: chr2-179455428-C-A.
Other names: c.56101G>T, p.Glu18701Ter (NM_001256850.1); c.33829G>T, p.Glu11277Ter (NM_003319.4); c.53320G>T, p.Glu17774Ter (NM_133378.4); c.34204G>T, p.Glu11402Ter (NM_133432.3); c.34405G>T, p.Glu11469Ter (NM_133437.4); short protein forms E11277*, E11402*, E11469*, E17774*, E18701*, E20342*.
Identifiers: ClinVar variation 3758821 (VCV003758821.2).
Genomic context (GRCh38, chr2:178,590,701, plus strand): 5'-GATCAGAACTTGGGGATGGTTTGCTTAGTCCTGCAAGATTTTCAGCAAAAACTCTAAACT[C>A]ATATGTATTTCCTTCATAGAGTCCAGTCACTCTGAACTTCAGGTCAGCGATAGGTGTTTT-3'